The following is an entry in ClinVar:

NM_001387690.1(KATNAL2):c.402G>A (p.Ala134=)

Gene: KATNAL2 (katanin catalytic subunit A1 like 2; plus strand). Cytogenetic location: 18q21.1.
Variant type: single nucleotide variant.
Coding change: c.402G>A on transcript NM_001387690.1 (MANE Select); coding-DNA position 402, G replaced by A.
Protein change: p.Ala134=; no amino-acid change (alanine 134 retained).
Molecular consequence: synonymous variant. On other transcripts: non-coding transcript variant (1).
Genome position (GRCh38, 1-based): chr18:47,058,304, G>A. VCF-style: chr18-47058304-G-A. GRCh37 (hg19) VCF-style: chr18-44584675-G-A.
Other names: c.480G>A, p.Ala160= (NM_001353899.1, NM_001353902.1); c.477G>A, p.Ala159= (NM_001353900.1); c.402G>A, p.Ala134= (NM_001353901.1, NM_001367621.1); c.69G>A, p.Ala23= (NM_001353903.1, NM_001353904.1, NM_001353905.1 and 4 more transcripts); c.186G>A, p.Ala62= (NM_031303.3).
Identifiers: ClinVar variation 587958 (VCV000587958.21), dbSNP rs144860304, ClinGen allele CA8954936.

ClinVar aggregate classification (germline): Likely benign. Review status: criteria provided, multiple submitters, no conflicts (2 of 4 stars). 4 submissions from 4 submitters: Likely benign (3). 1 of the submissions does not count toward it. Last evaluated 2025-05-01.

Conditions:
KATNAL2-related disorder. Also called: KATNAL2-related condition.

Allele frequency attached by ClinVar (database versions not stated): 1000 Genomes Project 30x 0.00047; 1000 Genomes Project 0.00060; gnomAD 0.00117 and 0.00124; TOPMed 0.00117; gnomAD exomes 0.00135; ExAC 0.00140; ESP Exome Variant Server 0.00192.
gnomAD v4.1: 2,554 of 1,613,982 alleles (0.16%); highest among the groups gnomAD compares: Non-Finnish European, 0.2%; 1 homozygote.

Submissions (4):

CeGaT Center for Human Genetics Tuebingen
Classification: Likely benign. Last evaluated: 2025-05-01. Review status: criteria provided, single submitter. Criteria: CeGaT Center For Human Genetics Tuebingen Variant Classification Criteria Version 2. Collection method: clinical testing. Allele origin: germline. Affected: yes. Observed: 1 variant allele.
Comment: KATNAL2: BP4, BP7

Labcorp Genetics (formerly Invitae), Labcorp
Classification: Likely benign. Last evaluated: 2019-12-31. Review status: criteria provided, single submitter. Criteria: Invitae Variant Classification Sherloc (09022015). Collection method: clinical testing. Allele origin: germline.

Ambry Genetics
Classification: Likely benign. Last evaluated: 2016-07-06. Review status: criteria provided, single submitter. Criteria: Ambry Variant Classification Scheme 2023. Collection method: clinical testing. Allele origin: germline.

PreventionGenetics, part of Exact Sciences
Classification: Likely benign for KATNAL2-related condition. Last evaluated: 2024-01-02. Review status: no assertion criteria provided. Collection method: clinical testing. Allele origin: germline. Not counted in ClinVar's aggregate classification.
Comment: This variant is classified as likely benign based on ACMG/AMP sequence variant interpretation guidelines (Richards et al. 2015 PMID: 25741868, with internal and published modifications).